The following is an entry in ClinVar:

NM_001174147.2(LMX1B):c.*3346G>A

Gene: LMX1B (LIM homeobox transcription factor 1 beta; plus strand). Cytogenetic location: 9q33.3.
Variant type: single nucleotide variant.
Coding change: c.*3346G>A on transcript NM_001174147.2 (MANE Select); 3346 bases downstream of the stop codon, G replaced by A.
Molecular consequence: 3 prime UTR variant.
Genome position (GRCh38, 1-based): chr9:126,699,797, G>A. VCF-style: chr9-126699797-G-A. GRCh37 (hg19) VCF-style: chr9-129462076-G-A.
Other names: c.*3346G>A (NM_001174146.2, NM_002316.4).
Identifiers: ClinVar variation 364968 (VCV000364968.6), dbSNP rs7023938, ClinGen allele CA10632496.

ClinVar aggregate classification (germline): Benign. Review status: criteria provided, multiple submitters, no conflicts (2 of 4 stars). 2 submissions from 2 submitters: Benign (2). Last evaluated 2018-01-13.

Conditions:
Nail-patella syndrome (NPS). Also called: FONG DISEASE; ONYCHOOSTEODYSPLASIA; TURNER-KIESER SYNDROME. Identifiers: Orphanet 2614, MedGen C0027341, MONDO:0008061, OMIM 161200.

Allele frequency attached by ClinVar (database versions not stated): 1000 Genomes Project 30x 0.20862; TOPMed 0.21246; 1000 Genomes Project 0.21546; gnomAD 0.21957 and 0.22305; gnomAD exomes 0.27941.
gnomAD v4.1: 34,083 of 152,082 alleles (22%); highest among the groups gnomAD compares: South Asian, 31%; 4,150 homozygotes.

Submissions (2):

Illumina Laboratory Services, Illumina
Classification: Benign for Nail-patella syndrome. Last evaluated: 2018-01-13. Review status: criteria provided, single submitter. Criteria: ICSL Variant Classification Criteria 13 December 2019. Collection method: clinical testing. Allele origin: germline.
Comment: This variant was observed in the ICSL laboratory as part of a predisposition screen in an ostensibly healthy population. It had not been previously curated by ICSL or reported in the Human Gene Mutation Database (HGMD: prior to June 1st, 2018), and was therefore a candidate for classification through an automated scoring system. Utilizing variant allele frequency, disease prevalence and penetrance estimates, and inheritance mode, an automated score was calculated to assess if this variant is too frequent to cause the disease. Based on the score and internal cut-off values, a variant classified as benign is not then subjected to further curation. The score for this variant resulted in a classification of benign for this disease.

Breakthrough Genomics
Classification: Benign. Review status: criteria provided, single submitter. Criteria: ACMG Guidelines, 2015. Collection method: not provided. Allele origin: germline. Inheritance: Autosomal dominant inheritance. Affected: yes.